The following is an entry in ClinVar:

ClinVar aggregate classification (germline): Conflicting classifications of pathogenicity. Review status: criteria provided, conflicting classifications (1 of 4 stars). 2 submissions from 2 submitters: Likely pathogenic (1); Uncertain significance (1). Last evaluated 2026-02-25.

Conditions:
Jeune thoracic dystrophy. Also called: Jeune syndrome; Infantile thoracic dystrophy; Thoracic pelvic phalangeal dystrophy; Jeune's syndrome; Chondroectodermal dysplasia-like syndrome; Short-rib thoracic dysplasia. Identifiers: Orphanet 474, MedGen C0265275, MONDO:0018770.
DYNC2H1-related disorder. Also called: DYNC2H1-related condition; DYNC2H1-related disorders. Identifiers: MedGen CN378770.

Allele frequency attached by ClinVar (database versions not stated): gnomAD exomes below 0.00001; TOPMed below 0.00001; gnomAD 0.00001.
gnomAD v4.1: 2 of 1,583,888 alleles (0.00013%); highest among the groups gnomAD compares: African/African-American, 0.0027%; no homozygotes.

Submissions (2):

PreventionGenetics, part of Exact Sciences
Classification: Uncertain significance for DYNC2H1-related condition. Last evaluated: 2026-02-25. Review status: criteria provided, single submitter. Criteria: ACMG Guidelines, 2015. Collection method: clinical testing. Allele origin: germline.
Comment: The DYNC2H1 c.635T>C variant is predicted to result in the amino acid substitution p.Leu212Ser. To our knowledge, this variant has not been reported in the literature or in a large population database (gnomAD), indicating this variant is rare. Although we suspect that this variant may be pathogenic, at this time, the clinical significance of this variant is uncertain due to the absence of conclusive functional and genetic evidence.

Labcorp Genetics (formerly Invitae), Labcorp
Classification: Likely pathogenic for Jeune thoracic dystrophy. Last evaluated: 2025-01-15. Review status: criteria provided, single submitter. Criteria: Invitae Variant Classification Sherloc (09022015). Collection method: clinical testing. Allele origin: germline.
Comment: This sequence change replaces leucine, which is neutral and non-polar, with serine, which is neutral and polar, at codon 212 of the DYNC2H1 protein (p.Leu212Ser). This variant is not present in population databases (gnomAD no frequency). This missense change has been observed in individual(s) with clinical features of short-rib thoracic dysplasia (internal data). In at least one individual the data is consistent with being in trans (on the opposite chromosome) from a pathogenic variant. ClinVar contains an entry for this variant (Variation ID: 3005085). Invitae Evidence Modeling of protein sequence and biophysical properties (such as structural, functional, and spatial information, amino acid conservation, physicochemical variation, residue mobility, and thermodynamic stability) indicates that this missense variant is expected to disrupt DYNC2H1 protein function with a positive predictive value of 95%. In summary, the currently available evidence indicates that the variant is pathogenic, but additional data are needed to prove that conclusively. Therefore, this variant has been classified as Likely Pathogenic.

NM_001377.3(DYNC2H1):c.635T>C (p.Leu212Ser)

Gene: DYNC2H1 (dynein cytoplasmic 2 heavy chain 1; plus strand). Cytogenetic location: 11q22.3.
Variant type: single nucleotide variant.
Coding change: c.635T>C on transcript NM_001377.3 (MANE Select); coding-DNA position 635, T replaced by C.
Protein change: p.Leu212Ser; replaces leucine 212 with serine.
Molecular consequence: missense variant.
Genome position (GRCh38, 1-based): chr11:103,116,583, T>C. VCF-style: chr11-103116583-T-C. GRCh37 (hg19) VCF-style: chr11-102987312-T-C.
Other names: c.635T>C (NM_001080463.1); c.635T>C, p.Leu212Ser (NM_001080463.2); short protein forms L212S.
Identifiers: ClinVar variation 3005085 (VCV003005085.4), dbSNP rs1311530268, ClinGen allele CA382246057.